The following is an entry in ClinVar:

ClinVar aggregate classification (germline): Likely benign. Review status: criteria provided, multiple submitters, no conflicts (2 of 4 stars). 2 submissions from 2 submitters: Likely benign (2). Last evaluated 2025-04-19.

Conditions:
PEX5-related disorder. Also called: PEX5-related condition; PEX5-Related Disorders.
Peroxisome biogenesis disorder 2B (PBD2B). Identifiers: Orphanet 44, MedGen C3550234, MONDO:0008736, OMIM 202370.

Allele frequency attached by ClinVar (database versions not stated): gnomAD 0.00001; TOPMed 0.00001.
gnomAD v4.1: 1 of 1,613,992 alleles (0.000062%); highest among the groups gnomAD compares: African/African-American, 0.0013%; no homozygotes.

Submissions (2):

PreventionGenetics, part of Exact Sciences
Classification: Likely benign for PEX5-related condition. Last evaluated: 2025-04-19. Review status: criteria provided, single submitter. Criteria: ACMG Guidelines, 2015. Collection method: clinical testing. Allele origin: germline.
Comment: This variant is classified as likely benign based on ACMG/AMP sequence variant interpretation guidelines (Richards et al. 2015 PMID: 25741868, with internal and published modifications).

Labcorp Genetics (formerly Invitae), Labcorp
Classification: Likely benign for Peroxisome biogenesis disorder 2B. Last evaluated: 2022-11-10. Review status: criteria provided, single submitter. Criteria: Invitae Variant Classification Sherloc (09022015). Collection method: clinical testing. Allele origin: germline.

NM_001351132.2(PEX5):c.1215A>G (p.Ala405=)

Gene: PEX5 (peroxisomal biogenesis factor 5; plus strand). Cytogenetic location: 12p13.31.
Variant type: single nucleotide variant.
Coding change: c.1215A>G on transcript NM_001351132.2 (MANE Select); coding-DNA position 1215, A replaced by G.
Protein change: p.Ala405=; no amino-acid change (alanine 405 retained).
Molecular consequence: synonymous variant.
Genome position (GRCh38, 1-based): chr12:7,208,490, A>G. VCF-style: chr12-7208490-A-G. GRCh37 (hg19) VCF-style: chr12-7361086-A-G.
Other names: c.1191A>G, p.Ala397= (NM_000319.5); c.1260A>G, p.Ala420= (NM_001131023.2); c.1104A>G, p.Ala368= (NM_001131024.2, NM_001351124.3, NM_001351126.2 and 7 more transcripts); c.1215A>G, p.Ala405= (NM_001131025.2, NM_001131026.2, NM_001300789.3 and 4 more transcripts); c.1149A>G, p.Ala383= (NM_001351135.3, NM_001351138.2); c.1206A>G, p.Ala402= (NM_001351136.2); c.1080A>G, p.Ala360= (NM_001351139.2, NM_001351140.2, NM_001374649.2); c.1215A>G (NM_001131025.1).
Identifiers: ClinVar variation 1988513 (VCV001988513.5), dbSNP rs1236803481, ClinGen allele CA478186718.
Genomic context (GRCh38, chr12:7,208,490, plus strand): 5'-CAAGTCTGCCCATCCCTGATCAAACAGGTGTCTGGAGCTAAAGCCAGATAACCAGACAGC[A>G]CTGATGGCGCTGGCTGTGAGCTTCACCAACGAGTCCCTGCAGCGACAGGCCTGTGAAACC-3'
Protein context (NP_001338061.1, residues 395-415): CLELKPDNQT[Ala405=]LMALAVSFTN